The following is an entry in ClinVar:

NM_001271.4(CHD2):c.1679A>T (p.Asn560Ile)

Gene: CHD2 (chromodomain helicase DNA binding protein 2; plus strand). Cytogenetic location: 15q26.1.
Variant type: single nucleotide variant.
Coding change: c.1679A>T on transcript NM_001271.4 (MANE Select); coding-DNA position 1679, A replaced by T.
Protein change: p.Asn560Ile; replaces asparagine 560 with isoleucine.
Molecular consequence: missense variant.
Genome position (GRCh38, 1-based): chr15:92,953,533, A>T. VCF-style: chr15-92953533-A-T. GRCh37 (hg19) VCF-style: chr15-93496763-A-T.
Other names: short protein forms N560I.
Identifiers: ClinVar variation 3636672 (VCV003636672.2).

ClinVar aggregate classification (germline): Uncertain significance (1 of 4 stars; one submission).

Conditions:
Developmental and epileptic encephalopathy 94 (DEE94). Also called: Epileptic encephalopathy, childhood-onset; CHD2-Related Neurodevelopmental Disorders. Identifiers: Orphanet 1942, Orphanet 2382, MedGen C3809278, MONDO:0014150, OMIM 615369.

Submission:

Labcorp Genetics (formerly Invitae), Labcorp
Classification: Uncertain significance for Developmental and epileptic encephalopathy 94. Last evaluated: 2024-12-02. Review status: criteria provided, single submitter. Criteria: Invitae Variant Classification Sherloc (09022015). Collection method: clinical testing. Allele origin: germline.
Comment: This sequence change replaces asparagine, which is neutral and polar, with isoleucine, which is neutral and non-polar, at codon 560 of the CHD2 protein (p.Asn560Ile). This variant is not present in population databases (gnomAD no frequency). This variant has not been reported in the literature in individuals affected with CHD2-related conditions. Invitae Evidence Modeling of protein sequence and biophysical properties (such as structural, functional, and spatial information, amino acid conservation, physicochemical variation, residue mobility, and thermodynamic stability) indicates that this missense variant is expected to disrupt CHD2 protein function with a positive predictive value of 80%. In summary, the available evidence is currently insufficient to determine the role of this variant in disease. Therefore, it has been classified as a Variant of Uncertain Significance.